The following is an entry in ClinVar:

NM_001734.5(C1S):c.987+5A>G

Gene: C1S (complement C1s; plus strand). Cytogenetic location: 12p13.31.
Variant type: single nucleotide variant.
Coding change: c.987+5A>G on transcript NM_001734.5 (MANE Select); 5 bases into the intron after coding-DNA position 987, A replaced by G.
Molecular consequence: intron variant.
Genome position (GRCh38, 1-based): chr12:7,066,638, A>G. VCF-style: chr12-7066638-A-G. GRCh37 (hg19) VCF-style: chr12-7173942-A-G.
Other names: c.987+5A>G (NM_201442.4); c.486+5A>G (NM_001346850.2).
Identifiers: ClinVar variation 2876992 (VCV002876992.3), dbSNP rs2539601618, ClinGen allele CA2739271846.

ClinVar aggregate classification (germline): Uncertain significance (1 of 4 stars; one submission).

Submission:

Labcorp Genetics (formerly Invitae), Labcorp
Classification: Uncertain significance. Last evaluated: 2023-09-08. Review status: criteria provided, single submitter. Criteria: Invitae Variant Classification Sherloc (09022015). Collection method: clinical testing. Allele origin: germline.
Comment: This sequence change falls in intron 8 of the C1S gene. It does not directly change the encoded amino acid sequence of the C1S protein. It affects a nucleotide within the consensus splice site. Variants that disrupt the consensus splice site are a relatively common cause of aberrant splicing (PMID: 17576681, 9536098). Algorithms developed to predict the effect of sequence changes on RNA splicing suggest that this variant is not likely to affect RNA splicing. This variant has not been reported in the literature in individuals affected with C1S-related conditions. This variant is not present in population databases (gnomAD no frequency). In summary, the available evidence is currently insufficient to determine the role of this variant in disease. Therefore, it has been classified as a Variant of Uncertain Significance.

Literature cited by the submitters: PubMed 17576681; PubMed 9536098.